The following is an entry in ClinVar:

ClinVar aggregate classification (germline): Uncertain significance. Review status: criteria provided, multiple submitters, no conflicts (2 of 4 stars). 3 submissions from 3 submitters: Uncertain significance (3). Last evaluated 2024-11-06.

Conditions:
Leucine-induced hypoglycemia (LIH). Also called: LEUCINE-SENSITIVE HYPOGLYCEMIA OF INFANCY. Identifiers: MedGen C0271714, MONDO:0009415, OMIM 240800.
Diabetes mellitus, permanent neonatal 3. Also called: ABCC8-Related Permanent Neonatal Diabetes Mellitus. Identifiers: MedGen C5394303, MONDO:0030088, OMIM 618857.
Diabetes mellitus, transient neonatal, 2 (TNDM2). Identifiers: Orphanet 99886, MedGen C1835887, MONDO:0012480, OMIM 610374. Disease mechanism: loss of function.
Type 2 diabetes mellitus. Also called: Type II diabetes mellitus. Identifiers: MedGen C0011860, MeSH D003924, MONDO:0005148, OMIM 125853, HP:0005978.
Hyperinsulinemic hypoglycemia, familial, 1 (HHF1). Also called: Persistent hyperinsulinemic hypoglycemia of infancy; HYPERINSULINISM, FAMILIAL, WITH PANCREATIC NESIDIOBLASTOSIS; HYPOGLYCEMIA, HYPERINSULINEMIC, OF INFANCY; NESIDIOBLASTOSIS OF PANCREAS; Persistent Hyperinsulinemia Hypoglycemia of Infancy. Identifiers: Orphanet 276575, Orphanet 276598, MedGen C2931832, MONDO:0009734, OMIM 256450.

Allele frequency attached by ClinVar (database versions not stated): TOPMed 0.00003; ExAC 0.00007; 1000 Genomes Project 30x 0.00016; 1000 Genomes Project 0.00020; gnomAD 0.00003; gnomAD exomes 0.00003.
gnomAD v4.1: 46 of 1,614,096 alleles (0.0028%); highest among the groups gnomAD compares: East Asian, 0.013%; no homozygotes.

Submissions (3):

Labcorp Genetics (formerly Invitae), Labcorp
Classification: Uncertain significance. Last evaluated: 2024-11-06. Review status: criteria provided, single submitter. Criteria: Invitae Variant Classification Sherloc (09022015). Collection method: clinical testing. Allele origin: germline.
Comment: This sequence change replaces arginine, which is basic and polar, with glutamine, which is neutral and polar, at codon 877 of the ABCC8 protein (p.Arg877Gln). This variant is present in population databases (rs549910824, gnomAD 0.02%). This missense change has been observed in individual(s) with transient neonatal diabetes mellitus (PMID: 28791793). This variant is also known as p.R878Q. ClinVar contains an entry for this variant (Variation ID: 2581556). Invitae Evidence Modeling of protein sequence and biophysical properties (such as structural, functional, and spatial information, amino acid conservation, physicochemical variation, residue mobility, and thermodynamic stability) indicates that this missense variant is not expected to disrupt ABCC8 protein function with a negative predictive value of 95%. In summary, the available evidence is currently insufficient to determine the role of this variant in disease. Therefore, it has been classified as a Variant of Uncertain Significance.

Fulgent Genetics
Classification: Uncertain significance for Type 2 diabetes mellitus; Leucine-induced hypoglycemia; Hyperinsulinemic hypoglycemia, familial, 1; Diabetes mellitus, transient neonatal, 2; Diabetes mellitus, permanent neonatal 3. Last evaluated: 2024-04-30. Review status: criteria provided, single submitter. Criteria: ACMG Guidelines, 2015. Collection method: clinical testing. Allele origin: germline.

Women's Health and Genetics/Laboratory Corporation of America, LabCorp
Classification: Uncertain significance. Last evaluated: 2023-08-08. Review status: criteria provided, single submitter. Criteria: LabCorp Variant Classification Summary - May 2015. Collection method: clinical testing. Allele origin: germline.
Comment: Variant summary: ABCC8 c.2630G>A (p.Arg877Gln) results in a conservative amino acid change located in the ABC transporter-like, ATP-binding domain (IPR003439) of the encoded protein sequence. Four of five in-silico tools predict a benign effect of the variant on protein function. The variant allele was found at a frequency of 4.8e-05 in 251478 control chromosomes (gnomAD). This frequency is not significantly higher than estimated for a pathogenic variant in ABCC8 causing Familial Hyperinsulinism (4.8e-05 vs 0.0034), allowing no conclusion about variant significance. c.2630G>A has been reported in the literature in at least one individual affected with Transient Neonatal Diabetes Mellitus (Li_2018). This report does not provide unequivocal conclusions about association of the variant with Familial Hyperinsulinism. To our knowledge, no experimental evidence demonstrating an impact on protein function has been reported. The following publication has been ascertained in the context of this evaluation (PMID: 28791793). No submitters have cited clinical-significance assessments for this variant to ClinVar after 2014. Based on the evidence outlined above, the variant was classified as uncertain significance.

Literature cited by the submitters: PubMed 28791793 (cited by Labcorp Genetics (formerly Invitae), Labcorp and Women's Health and Genetics/Laboratory Corporation of America, LabCorp).

NM_000352.6(ABCC8):c.2630G>A (p.Arg877Gln)

Gene: ABCC8 (ATP binding cassette subfamily C member 8; minus strand). Cytogenetic location: 11p15.1.
Variant type: single nucleotide variant.
Coding change: c.2630G>A on transcript NM_000352.6 (MANE Select); coding-DNA position 2630, G replaced by A.
Protein change: p.Arg877Gln; replaces arginine 877 with glutamine.
Molecular consequence: missense variant. On other transcripts: non-coding transcript variant (1).
Genome position (GRCh38, 1-based): chr11:17,410,580, C>T on the plus strand (G>A on the coding strand, the complement: ABCC8 is on the minus strand). VCF-style: chr11-17410580-C-T. GRCh37 (hg19) VCF-style: chr11-17432127-C-T.
Other names: c.2633G>A, p.Arg878Gln (NM_001287174.3); c.2696G>A, p.Arg899Gln (NM_001351295.2); c.2630G>A, p.Arg877Gln (NM_001351296.2); c.2627G>A, p.Arg876Gln (NM_001351297.2); short protein forms R876Q, R877Q, R878Q, R899Q.
Identifiers: ClinVar variation 2581556 (VCV002581556.3), dbSNP rs549910824, ClinGen allele CA5903067.